The following is an entry in ClinVar:

NM_000051.4(ATM):c.891C>G (p.Thr297=)

Gene: ATM (ATM serine/threonine kinase; plus strand). Cytogenetic location: 11q22.3.
Variant type: single nucleotide variant.
Coding change: c.891C>G on transcript NM_000051.4 (MANE Select); coding-DNA position 891, C replaced by G.
Protein change: p.Thr297=; no amino-acid change (threonine 297 retained).
Molecular consequence: synonymous variant.
Genome position (GRCh38, 1-based): chr11:108,245,016, C>G. VCF-style: chr11-108245016-C-G. GRCh37 (hg19) VCF-style: chr11-108115743-C-G.
Other names: c.891C>G, p.Thr297= (NM_001351834.2).
Identifiers: ClinVar variation 231641 (VCV000231641.20), dbSNP rs575285986, ClinGen allele CA10578980.

ClinVar aggregate classification (germline): Benign/Likely benign. Review status: criteria provided, multiple submitters, no conflicts (2 of 4 stars). 5 submissions from 5 submitters: Benign (1); Likely benign (4). Last evaluated 2026-01-10.

Conditions:
Hereditary cancer-predisposing syndrome. Also called: Hereditary Cancer Syndrome; Neoplastic Syndromes, Hereditary; Tumor predisposition; Hereditary neoplastic syndrome. Identifiers: Orphanet 140162, MedGen C0027672, MeSH D009386, MONDO:0015356.
Familial cancer of breast. Also called: Hereditary breast cancer; hereditary breast carcinoma; BREAST CANCER, FAMILIAL. Identifiers: Orphanet 227535, MedGen C0346153, MONDO:0016419, OMIM 114480. Disease mechanism: loss of function.
Ataxia-telangiectasia syndrome (AT). Also called: Ataxia telangiectasia (A-T); Ataxia-telangiectasia, complementation group E; LOUIS-BAR SYNDROME; Cerebello-oculocutaneous telangiectasia; Immunodeficiency with ataxia telangiectasia; Ataxia-telangiectasia, complementation group D. Identifiers: Orphanet 100, MedGen C0004135, MONDO:0008840, OMIM 208900.

Allele frequency attached by ClinVar (database versions not stated): TOPMed below 0.00001.

Submissions (5):

Labcorp Genetics (formerly Invitae), Labcorp
Classification: Likely benign for Ataxia-telangiectasia syndrome. Last evaluated: 2026-01-10. Review status: criteria provided, single submitter. Criteria: Invitae Variant Classification Sherloc (09022015). Collection method: clinical testing. Allele origin: germline.

Myriad Genetics, Inc.
Classification: Benign for Familial cancer of breast. Last evaluated: 2024-04-23. Review status: criteria provided, single submitter. Criteria: Myriad Autosomal Dominant, Autosomal Recessive and X-Linked Classification Criteria (2023). Collection method: clinical testing. Allele origin: unknown.
Comment: This variant is considered benign. This variant is a silent/synonymous amino acid change and it is not expected to impact splicing.

Color Diagnostics, LLC DBA Color Health
Classification: Likely benign for Hereditary cancer-predisposing syndrome. Last evaluated: 2023-08-02. Review status: criteria provided, single submitter. Criteria: ACMG Guidelines, 2015. Collection method: clinical testing. Allele origin: germline.

Sema4
Classification: Likely benign for Hereditary cancer-predisposing syndrome. Last evaluated: 2021-11-22. Review status: criteria provided, single submitter. Criteria: Sema4 Curation Guidelines. Collection method: curation. Allele origin: germline.

Ambry Genetics
Classification: Likely benign for Hereditary cancer-predisposing syndrome. Last evaluated: 2015-05-01. Review status: criteria provided, single submitter. Criteria: Ambry Variant Classification Scheme 2023. Collection method: clinical testing. Allele origin: germline.